The following is an entry in ClinVar:

ClinVar aggregate classification (germline): Likely benign. Review status: criteria provided, single submitter (1 of 4 stars). 2 submissions from 2 submitters: Likely benign (1). 1 of the submissions does not count toward it. Last evaluated 2025-11-04.

Conditions:
CACNA1S-related disorder. Also called: CACNA1S-related condition.
Hypokalemic periodic paralysis, type 1. Also called: Hypokalemic Periodic Paralysis Type 1 (AD); HypoPP. Identifiers: Orphanet 681, MedGen C3714580, MONDO:0042979, OMIM 170400.
Malignant hyperthermia, susceptibility to, 5 (MHS5). Also called: CACNA1S-Related Malignant Hyperthermia Susceptibility. Identifiers: Orphanet 423, MedGen C1866077, MONDO:0011163, OMIM 601887.

gnomAD v4.1: 2 of 1,614,184 alleles (0.00012%); highest among the groups gnomAD compares: Non-Finnish European, 0.00017%; no homozygotes.

Submissions (2):

Labcorp Genetics (formerly Invitae), Labcorp
Classification: Likely benign for Hypokalemic periodic paralysis, type 1; Malignant hyperthermia, susceptibility to, 5. Last evaluated: 2025-11-04. Review status: criteria provided, single submitter. Criteria: Invitae Variant Classification Sherloc (09022015). Collection method: clinical testing. Allele origin: germline.

PreventionGenetics, part of Exact Sciences
Classification: Likely benign for CACNA1S-related condition. Last evaluated: 2021-08-23. Review status: no assertion criteria provided. Collection method: clinical testing. Allele origin: germline. Not counted in ClinVar's aggregate classification.
Comment: This variant is classified as likely benign based on ACMG/AMP sequence variant interpretation guidelines (Richards et al. 2015 PMID: 25741868, with internal and published modifications).

NM_000069.3(CACNA1S):c.5380C>A (p.Arg1794=)

Gene: CACNA1S (calcium voltage-gated channel subunit alpha1 S; minus strand). Cytogenetic location: 1q32.1.
Variant type: single nucleotide variant.
Coding change: c.5380C>A on transcript NM_000069.3 (MANE Select); coding-DNA position 5380, C replaced by A.
Protein change: p.Arg1794=; no amino-acid change (arginine 1794 retained).
Molecular consequence: synonymous variant.
Genome position (GRCh38, 1-based): chr1:201,040,073, G>T on the plus strand (C>A on the coding strand, the complement: CACNA1S is on the minus strand). VCF-style: chr1-201040073-G-T. GRCh37 (hg19) VCF-style: chr1-201009201-G-T.
Identifiers: ClinVar variation 3061680 (VCV003061680.3), dbSNP rs775764917, ClinGen allele CA083840.